The following is an entry in ClinVar:

ClinVar aggregate classification (germline): Uncertain significance (1 of 4 stars; one submission).

Conditions:
Nephrolithiasis, calcium oxalate, 2, with or without nephrocalcinosis (CAON2). Identifiers: MedGen C5830516, MONDO:0958191, OMIM 620374.

Submission:

Rare Kidney Stone Consortium and the Mayo Clinic Hyperoxaluria Center, Mayo Clinic
Classification: Uncertain significance for Nephrolithiasis, calcium oxalate, 2, with or without nephrocalcinosis. Last evaluated: 2025-10-03. Review status: criteria provided, single submitter. Criteria: ACMG Guidelines, 2015. Collection method: research. Allele origin: germline. Observed: 1 variant allele.
Comment: ACMG:PM1, PM2, PP3

Literature cited by the submitters: PubMed 40794449.

NM_001346194.2(OXGR1):c.223C>A (p.Leu75Met)

Gene: OXGR1 (oxoglutarate receptor 1; minus strand). Cytogenetic location: 13q32.1.
Variant type: single nucleotide variant.
Coding change: c.223C>A on transcript NM_001346194.2 (MANE Select); coding-DNA position 223, C replaced by A.
Protein change: p.Leu75Met; replaces leucine 75 with methionine.
Molecular consequence: missense variant.
Genome position (GRCh38, 1-based): chr13:96,987,537, G>T on the plus strand (C>A on the coding strand, the complement: OXGR1 is on the minus strand). VCF-style: chr13-96987537-G-T. GRCh37 (hg19) VCF-style: chr13-97639791-G-T.
Other names: c.223C>A, p.Leu75Met (NM_001346195.2, NM_001346196.2, NM_001346197.2 and 1 more transcripts); short protein forms L75M.
Identifiers: ClinVar variation 4526803 (VCV004526803.1).